The following is an entry in ClinVar:

NM_003072.5(SMARCA4):c.704G>T (p.Gly235Val)

Gene: SMARCA4 (SWI/SNF related BAF chromatin remodeling complex subunit ATPase 4; plus strand). Cytogenetic location: 19p13.2.
Variant type: single nucleotide variant.
Coding change: c.704G>T on transcript NM_003072.5 (MANE Select); coding-DNA position 704, G replaced by T.
Protein change: p.Gly235Val; replaces glycine 235 with valine.
Molecular consequence: missense variant. On other transcripts: non-coding transcript variant (1).
Genome position (GRCh38, 1-based): chr19:10,986,537, G>T. VCF-style: chr19-10986537-G-T. GRCh37 (hg19) VCF-style: chr19-11097213-G-T.
Other names: c.704G>T, p.Gly235Val (NM_001128844.3, NM_001128845.2, NM_001128846.2 and 6 more transcripts); short protein forms G235V.
Identifiers: ClinVar variation 1756877 (VCV001756877.2), dbSNP rs1240479086, ClinGen allele CA404057088.

ClinVar aggregate classification (germline): Uncertain significance (1 of 4 stars; one submission).

Conditions:
Hereditary cancer-predisposing syndrome. Also called: Neoplastic Syndromes, Hereditary; Tumor predisposition; Hereditary Cancer Syndrome; Hereditary neoplastic syndrome. Identifiers: Orphanet 140162, MedGen C0027672, MeSH D009386, MONDO:0015356.

Submission:

Ambry Genetics
Classification: Uncertain significance for Hereditary cancer-predisposing syndrome. Last evaluated: 2021-01-29. Review status: criteria provided, single submitter. Criteria: Ambry Variant Classification Scheme 2023. Collection method: clinical testing. Allele origin: germline.
Comment: The p.G235V variant (also known as c.704G>T), located in coding exon 3 of the SMARCA4 gene, results from a G to T substitution at nucleotide position 704. The glycine at codon 235 is replaced by valine, an amino acid with dissimilar properties. This amino acid position is highly conserved in available vertebrate species. In addition, the in silico prediction for this alteration is inconclusive. Missense and in-frame variants in SMARCA4 are known to cause neurodevelopmental disorders; however, such associations with rhabdoid tumor predisposition syndrome including small cell carcinoma of the ovary-hypercalcemic type (SCCOHT) are exceedingly rare (Kosho T et al. Am J Med Genet C Semin Med Genet. 2014 Sep;166C(3):262-75; Jelinic P et al. Nat Genet. 2014 May;46(5):424-6). Since supporting evidence is limited at this time, the clinical significance of this alteration remains unclear.